The following is an entry in ClinVar:

NM_006939.4(SOS2):c.1783G>A (p.Gly595Ser)

Gene: SOS2 (SOS Ras/Rho guanine nucleotide exchange factor 2; minus strand). Cytogenetic location: 14q21.3.
Variant type: single nucleotide variant.
Coding change: c.1783G>A on transcript NM_006939.4 (MANE Select); coding-DNA position 1783, G replaced by A.
Protein change: p.Gly595Ser; replaces glycine 595 with serine.
Molecular consequence: missense variant.
Genome position (GRCh38, 1-based): chr14:50,159,500, C>T on the plus strand (G>A on the coding strand, the complement: SOS2 is on the minus strand). VCF-style: chr14-50159500-C-T. GRCh37 (hg19) VCF-style: chr14-50626218-C-T.
Other names: c.1684G>A, p.Gly562Ser (NM_001411020.1); short protein forms G595S, G562S.
Identifiers: ClinVar variation 4614990 (VCV004614990.1).

ClinVar aggregate classification (germline): Uncertain significance (1 of 4 stars; one submission).

Conditions:
Cardiovascular phenotype. Identifiers: MedGen CN230736.

gnomAD v4.1: 1 of 1,612,966 alleles (0.000062%); highest among the groups gnomAD compares: Non-Finnish European, 0.000085%; no homozygotes.

Submission:

Ambry Genetics
Classification: Uncertain significance for Cardiovascular phenotype. Last evaluated: 2025-10-05. Review status: criteria provided, single submitter. Criteria: Ambry Variant Classification Scheme 2023. Collection method: clinical testing. Allele origin: germline.
Comment: The p.G595S variant (also known as c.1783G>A), located in coding exon 10 of the SOS2 gene, results from a G to A substitution at nucleotide position 1783. The glycine at codon 595 is replaced by serine, an amino acid with similar properties. This amino acid position is conserved. In addition, the in silico prediction for this alteration is inconclusive. Based on the available evidence, the clinical significance of this variant remains unclear.